The following is an entry in ClinVar:

ClinVar aggregate classification (germline): Uncertain significance (1 of 4 stars; one submission).

Conditions:
Familial adenomatous polyposis 1 (FAP1). Also called: FAMILIAL ADENOMATOUS POLYPOSIS 1, ATTENUATED; POLYPOSIS, ADENOMATOUS INTESTINAL. Identifiers: MedGen C2713442, MONDO:0021056, OMIM 175100. Disease mechanism: loss of function.

Submission:

Labcorp Genetics (formerly Invitae), Labcorp
Classification: Uncertain significance for Familial adenomatous polyposis 1. Last evaluated: 2021-09-07. Review status: criteria provided, single submitter. Criteria: Invitae Variant Classification Sherloc (09022015). Collection method: clinical testing. Allele origin: germline.
Comment: This variant has not been reported in the literature in individuals affected with APC-related conditions. The frequency data for this variant in the population databases is considered unreliable, as metrics indicate insufficient coverage at this position in the ExAC database. This variant occurs in a non-coding region of the APC gene. It does not change the encoded amino acid sequence of the APC protein. In summary, the available evidence is currently insufficient to determine the role of this variant in disease. Therefore, it has been classified as a Variant of Uncertain Significance. Experimental studies and prediction algorithms are not available or were not evaluated, and the functional significance of this variant is currently unknown.

NM_001127511.3(APC):c.165+9G>A

Gene: APC (APC regulator of Wnt signaling pathway; plus strand). Cytogenetic location: 5q22.2.
Variant type: single nucleotide variant.
Coding change: c.165+9G>A on transcript NM_001127511.3; 9 bases into the intron after coding-DNA position 165, G replaced by A.
Molecular consequence: intron variant.
Genome position (GRCh38, 1-based): chr5:112,707,891, G>A. VCF-style: chr5-112707891-G-A. GRCh37 (hg19) VCF-style: chr5-112043588-G-A.
Other names: c.165+9G>A (NM_001354902.2, NM_001407446.1, NM_001354897.2); c.-19+242G>A (NM_001407448.1, NM_001407450.1, NM_001407457.1 and 1 more transcripts); c.-43+242G>A (NM_001407453.1); c.-1054+9G>A (NM_001407470.1, NM_001407472.1); c.-19+9G>A (NM_001407447.1, NM_001354895.2, NM_001407456.1 and 3 more transcripts).
Identifiers: ClinVar variation 1489037 (VCV001489037.7), dbSNP rs2149631563, ClinGen allele CA2573138807.
Genomic context (GRCh38, chr5:112,707,891, plus strand): 5'-GAAGAGCCCGGGCGGCGCTCGTACTTCTGGCCACTGGGCGAGCGTCTGGCAGGTGAGTGA[G>A]GCTGCAGGCATTGACGTCTCCTCCCGGCAAAGCTTCCTCGGCTTTGCCCCGCCGCTGCTC-3'